The following is an entry in ClinVar:

NM_001232.4(CASQ2):c.178G>A (p.Val60Met)

Gene: CASQ2 (calsequestrin 2; minus strand). Cytogenetic location: 1p13.1.
Variant type: single nucleotide variant.
Coding change: c.178G>A on transcript NM_001232.4 (MANE Select); coding-DNA position 178, G replaced by A.
Protein change: p.Val60Met; replaces valine 60 with methionine.
Molecular consequence: missense variant.
Genome position (GRCh38, 1-based): chr1:115,768,364, C>T on the plus strand (G>A on the coding strand, the complement: CASQ2 is on the minus strand). VCF-style: chr1-115768364-C-T. GRCh37 (hg19) VCF-style: chr1-116310985-C-T.
Other names: short protein forms V60M.
Identifiers: ClinVar variation 3995704 (VCV003995704.1).
Genomic context (GRCh38, chr1:115,768,364, plus strand): 5'-TTACCTCAAGCACGATTTCTTTCAGTTGGAACTGTTTTTGCGTGACCTTATCTGAAGACA[C>T]CGGCTCATGGTAGTAGAGGCAAAGCAAGTCATATTTCTTTAAAACCTGCTTGAAGTTCTT-3'
Protein context (NP_001223.2, residues 50-70): DLLCLYYHEP[Val60Met]SSDKVTQKQF

ClinVar aggregate classification (germline): Uncertain significance (1 of 4 stars; one submission).

Conditions:
Cardiovascular phenotype. Identifiers: MedGen CN230736.

Submission:

Ambry Genetics
Classification: Uncertain significance for Cardiovascular phenotype. Last evaluated: 2025-06-10. Review status: criteria provided, single submitter. Criteria: Ambry Variant Classification Scheme 2023. Collection method: clinical testing. Allele origin: germline.
Comment: The p.V60M variant (also known as c.178G>A), located in coding exon 1 of the CASQ2 gene, results from a G to A substitution at nucleotide position 178. The valine at codon 60 is replaced by methionine, an amino acid with highly similar properties. This amino acid position is conserved. In addition, this alteration is predicted to be tolerated by in silico analysis. Based on the available evidence, the clinical significance of this variant remains unclear.